The following is an entry in ClinVar:

ClinVar aggregate classification (germline): Uncertain significance (1 of 4 stars; one submission).

Allele frequency attached by ClinVar (database versions not stated): gnomAD exomes below 0.00001; gnomAD 0.00001; TOPMed 0.00001.
gnomAD v4.1: 3 of 1,600,362 alleles (0.00019%); highest among the groups gnomAD compares: Non-Finnish European, 0.00026%; no homozygotes.

Submission:

Women's Health and Genetics/Laboratory Corporation of America, LabCorp
Classification: Uncertain significance. Last evaluated: 2022-07-01. Review status: criteria provided, single submitter. Criteria: LabCorp Variant Classification Summary - May 2015. Collection method: clinical testing. Allele origin: germline.
Comment: Variant summary: MEFV c.1883G>A (p.Arg628Lys) results in a conservative amino acid change located in the B30.2/SPRY domain (IPR001870) of the encoded protein sequence. Five of five in-silico tools predict a benign effect of the variant on protein function. The variant allele was found at a frequency of 4.1e-06 in 241538 control chromosomes (gnomAD). The available data on variant occurrences in the general population are insufficient to allow any conclusion about variant significance. c.1883G>A has been reported in the INFEVERS database in at least one individual affected with Familial Mediterranean Fever, however, this report does not provide unequivocal conclusions about association of the variant with Familial Mediterranean Fever. To our knowledge, no experimental evidence demonstrating an impact on protein function has been reported. No clinical diagnostic laboratories have submitted clinical-significance assessments for this variant to ClinVar after 2014. Based on the evidence outlined above, the variant was classified as uncertain significance.

NM_000243.3(MEFV):c.1883G>A (p.Arg628Lys)

Genes: MEFV (MEFV innate immunity regulator, pyrin; minus strand), LOC126862264 (CDK7 strongly-dependent group 2 enhancer GRCh37_chr16:3293322-3294521; plus strand). Cytogenetic location: 16p13.3.
Variant type: single nucleotide variant.
Coding change: c.1883G>A on transcript NM_000243.3 (MANE Select); coding-DNA position 1883, G replaced by A.
Protein change: p.Arg628Lys; replaces arginine 628 with lysine.
Molecular consequence: missense variant. On other transcripts: 3 prime UTR variant (1).
Genome position (GRCh38, 1-based): chr16:3,243,604, C>T on the plus strand (G>A on the coding strand, the complement: MEFV is on the minus strand). VCF-style: chr16-3243604-C-T. GRCh37 (hg19) VCF-style: chr16-3293604-C-T.
Other names: c.*87G>A (NM_001198536.2); short protein forms R628K.
Identifiers: ClinVar variation 1704489 (VCV001704489.1), dbSNP rs954997073, ClinGen allele CA276955254.